The following is an entry in ClinVar:

NM_006303.4(AIMP2):c.480C>T (p.Ser160=)

Gene: AIMP2 (aminoacyl tRNA synthetase complex interacting multifunctional protein 2; plus strand). Cytogenetic location: 7p22.1.
Variant type: single nucleotide variant.
Coding change: c.480C>T on transcript NM_006303.4 (MANE Select); coding-DNA position 480, C replaced by T.
Protein change: p.Ser160=; no amino-acid change (serine 160 retained).
Molecular consequence: synonymous variant.
Genome position (GRCh38, 1-based): chr7:6,017,951, C>T. VCF-style: chr7-6017951-C-T. GRCh37 (hg19) VCF-style: chr7-6057582-C-T.
Other names: c.360C>T, p.Ser120= (NM_001326606.2); c.273C>T, p.Ser91= (NM_001326607.2); c.246C>T, p.Ser82= (NM_001326609.2, NM_001326610.2, NM_001326611.3); c.393C>T, p.Ser131= (NM_001362785.2); c.348C>T, p.Ser116= (NM_001362787.2).
Identifiers: ClinVar variation 3033944 (VCV003033944.2), dbSNP rs374110509, ClinGen allele CA4150368.

ClinVar aggregate classification (germline): Likely benign (0 of 4 stars; one submission).

Conditions:
AIMP2-related disorder. Also called: AIMP2-related condition.

Allele frequency attached by ClinVar (database versions not stated): gnomAD 0.00005; TOPMed 0.00005; ESP Exome Variant Server 0.00008; ExAC 0.00011.
gnomAD v4.1: 64 of 1,613,912 alleles (0.004%); highest among the groups gnomAD compares: Non-Finnish European, 0.005%; no homozygotes.

Submission:

PreventionGenetics, part of Exact Sciences
Classification: Likely benign for AIMP2-related condition. Last evaluated: 2019-06-07. Review status: no assertion criteria provided. Collection method: clinical testing. Allele origin: germline.
Comment: This variant is classified as likely benign based on ACMG/AMP sequence variant interpretation guidelines (Richards et al. 2015 PMID: 25741868, with internal and published modifications).